The following is an entry in ClinVar:

ClinVar aggregate classification (germline): Uncertain significance (1 of 4 stars; one submission).

Conditions:
Hereditary cancer-predisposing syndrome. Also called: Neoplastic Syndromes, Hereditary; Tumor predisposition; Hereditary Cancer Syndrome; Hereditary neoplastic syndrome. Identifiers: Orphanet 140162, MedGen C0027672, MeSH D009386, MONDO:0015356.

Submission:

Ambry Genetics
Classification: Uncertain significance for Hereditary cancer-predisposing syndrome. Last evaluated: 2025-10-02. Review status: criteria provided, single submitter. Criteria: Ambry Variant Classification Scheme 2023. Collection method: clinical testing. Allele origin: germline.
Comment: The p.D1853H variant (also known as c.5557G>C), located in coding exon 36 of the ATM gene, results from a G to C substitution at nucleotide position 5557. The aspartic acid at codon 1853 is replaced by histidine, an amino acid with similar properties. This amino acid position is highly conserved in available vertebrate species. In addition, this alteration is predicted to be deleterious by in silico analysis. Based on the available evidence, the clinical significance of this variant remains unclear.

NM_000051.4(ATM):c.5557G>C (p.Asp1853His)

Gene: ATM (ATM serine/threonine kinase; plus strand). Cytogenetic location: 11q22.3.
Variant type: single nucleotide variant.
Coding change: c.5557G>C on transcript NM_000051.4 (MANE Select); coding-DNA position 5557, G replaced by C.
Protein change: p.Asp1853His; replaces aspartic acid 1853 with histidine.
Molecular consequence: missense variant.
Genome position (GRCh38, 1-based): chr11:108,304,735, G>C. VCF-style: chr11-108304735-G-C. GRCh37 (hg19) VCF-style: chr11-108175462-G-C.
Other names: c.5557G>C, p.Asp1853His (NM_001351834.2); short protein forms D1853H.
Identifiers: ClinVar variation 4617425 (VCV004617425.1).